The following is an entry in ClinVar:

NM_001082486.2(ACD):c.1299G>T (p.Arg433Ser)

Gene: ACD (ACD shelterin complex subunit and telomerase recruitment factor; minus strand). Cytogenetic location: 16q22.1.
Variant type: single nucleotide variant.
Coding change: c.1299G>T on transcript NM_001082486.2 (MANE Select); coding-DNA position 1299, G replaced by T.
Protein change: p.Arg433Ser; replaces arginine 433 with serine.
Molecular consequence: missense variant.
Genome position (GRCh38, 1-based): chr16:67,657,684, C>A on the plus strand (G>T on the coding strand, the complement: ACD is on the minus strand). VCF-style: chr16-67657684-C-A. GRCh37 (hg19) VCF-style: chr16-67691587-C-A.
Other names: c.1212G>T, p.Arg404Ser (NM_001410884.1); c.1290G>T, p.Arg430Ser (NM_022914.3); short protein forms R430S, R404S, R433S.
Identifiers: ClinVar variation 1775181 (VCV001775181.2), dbSNP rs756845439, ClinGen allele CA396349746.

ClinVar aggregate classification (germline): Uncertain significance (1 of 4 stars; one submission).

Conditions:
Inborn genetic diseases. Identifiers: MedGen C0950123, MeSH D030342.

Submission:

Ambry Genetics
Classification: Uncertain significance for Inborn genetic diseases. Last evaluated: 2022-08-22. Review status: criteria provided, single submitter. Criteria: Ambry Variant Classification Scheme 2023. Collection method: clinical testing. Allele origin: germline.
Comment: The p.R519S variant (also known as c.1557G>T) is located in coding exon 12 of the ACD gene. The arginine at codon 519 is replaced by serine, an amino acid with dissimilar properties. This change occurs in the first base pair of coding exon 12. This amino acid position is conserved. In addition, this alteration is predicted to be tolerated by in silico analysis. Since supporting evidence is limited at this time, the clinical significance of this alteration remains unclear.